The following is an entry in ClinVar:

NM_001252024.2(TRPM1):c.1369A>T (p.Lys457Ter)

Gene: TRPM1 (transient receptor potential cation channel subfamily M member 1; minus strand). Cytogenetic location: 15q13.3.
Variant type: single nucleotide variant.
Coding change: c.1369A>T on transcript NM_001252024.2 (MANE Select); coding-DNA position 1369, A replaced by T.
Protein change: p.Lys457Ter; replaces lysine 457 with a stop codon.
Molecular consequence: nonsense.
Genome position (GRCh38, 1-based): chr15:31,050,477, T>A on the plus strand (A>T on the coding strand, the complement: TRPM1 is on the minus strand). VCF-style: chr15-31050477-T-A. GRCh37 (hg19) VCF-style: chr15-31342680-T-A.
Other names: c.1420A>T, p.Lys474Ter (NM_001252020.2); c.1303A>T, p.Lys435Ter (NM_002420.6); short protein forms K457*, K474*, K435*.
Identifiers: ClinVar variation 1453529 (VCV001453529.7), dbSNP rs774379297, ClinGen allele CA7452593.

ClinVar aggregate classification (germline): Pathogenic/Likely pathogenic. Review status: criteria provided, multiple submitters, no conflicts (2 of 4 stars). 2 submissions from 2 submitters: Pathogenic (1); Likely pathogenic (1). Last evaluated 2022-09-05.

Conditions:
TRPM1-related disorder. Also called: TRPM1-related condition.

Allele frequency attached by ClinVar (database versions not stated): gnomAD exomes below 0.00001 and 0.00001; ExAC 0.00001; gnomAD 0.00005 and 0.00006; TOPMed 0.00008.
gnomAD v4.1: 14 of 1,613,992 alleles (0.00087%); highest among the groups gnomAD compares: African/African-American, 0.019%; no homozygotes.

Submissions (2):

Labcorp Genetics (formerly Invitae), Labcorp
Classification: Pathogenic. Last evaluated: 2022-09-05. Review status: criteria provided, single submitter. Criteria: Invitae Variant Classification Sherloc (09022015). Collection method: clinical testing. Allele origin: germline.
Comment: For these reasons, this variant has been classified as Pathogenic. Algorithms developed to predict the effect of sequence changes on RNA splicing suggest that this variant may disrupt the consensus splice site. ClinVar contains an entry for this variant (Variation ID: 1453529). This variant has not been reported in the literature in individuals affected with TRPM1-related conditions. This variant is present in population databases (rs774379297, gnomAD 0.02%). This sequence change creates a premature translational stop signal (p.Lys435*) in the TRPM1 gene. It is expected to result in an absent or disrupted protein product. Loss-of-function variants in TRPM1 are known to be pathogenic (PMID: 19896113, 19966281, 20300565).

Blueprint Genetics
Classification: Likely pathogenic for TRPM1-related disorders. Last evaluated: 2019-06-17. Review status: criteria provided, single submitter. Criteria: ACMG Guidelines, 2015. Collection method: clinical testing. Allele origin: germline. Affected: yes. Observed: 1 variant allele.

Literature cited by the submitters: PubMed 19896113 (cited by Labcorp Genetics (formerly Invitae), Labcorp); PubMed 19966281 (cited by Labcorp Genetics (formerly Invitae), Labcorp); PubMed 20300565 (cited by Labcorp Genetics (formerly Invitae), Labcorp).